The following is an entry in ClinVar:

ClinVar aggregate classification (germline): Uncertain significance (1 of 4 stars; one submission).

Conditions:
Familial focal epilepsy with variable foci (FPEVF). Identifiers: Orphanet 98820, MedGen C1858477, MONDO:0020310.

Submission:

Labcorp Genetics (formerly Invitae), Labcorp
Classification: Uncertain significance for Familial focal epilepsy with variable foci. Last evaluated: 2024-10-30. Review status: criteria provided, single submitter. Criteria: Invitae Variant Classification Sherloc (09022015). Collection method: clinical testing. Allele origin: germline.
Comment: This sequence change affects codon 208 of the DEPDC5 mRNA. It is a 'silent' change, meaning that it does not change the encoded amino acid sequence of the DEPDC5 protein. This variant also falls at the last nucleotide of exon 10, which is part of the consensus splice site for this exon. This variant is not present in population databases (gnomAD no frequency). This variant has not been reported in the literature in individuals affected with DEPDC5-related conditions. Variants that disrupt the consensus splice site are a relatively common cause of aberrant splicing (PMID: 17576681, 9536098). Algorithms developed to predict the effect of sequence changes on RNA splicing suggest that this variant may disrupt the consensus splice site. In summary, the available evidence is currently insufficient to determine the role of this variant in disease. Therefore, it has been classified as a Variant of Uncertain Significance.

Literature cited by the submitters: PubMed 17576681; PubMed 9536098.

NM_001242896.3(DEPDC5):c.624G>A (p.Lys208=)

Gene: DEPDC5 (DEP domain containing 5, GATOR1 subcomplex subunit; plus strand). Cytogenetic location: 22q12.2.
Variant type: single nucleotide variant.
Coding change: c.624G>A on transcript NM_001242896.3 (MANE Select); coding-DNA position 624, G replaced by A.
Protein change: p.Lys208=; no amino-acid change (lysine 208 retained).
Molecular consequence: synonymous variant. On other transcripts: non-coding transcript variant (5).
Genome position (GRCh38, 1-based): chr22:31,784,875, G>A. VCF-style: chr22-31784875-G-A. GRCh37 (hg19) VCF-style: chr22-32180861-G-A.
Other names: c.624G>A, p.Lys208= (NM_001007188.4, NM_001136029.4, NM_001242897.2 and 7 more transcripts); c.540G>A, p.Lys180= (NM_001369901.1, NM_001369902.1).
Identifiers: ClinVar variation 3723954 (VCV003723954.2).
Genomic context (GRCh38, chr22:31,784,875, plus strand): 5'-GGATTTGTATTTTGAGAAAGCTGTGAATGGTTTCCTTGCTGATCTATTTACCAAGTGGAA[G>A]GTACATTTCTTCTTACACACTAAGTCTCATTATGTAAACATTACTCAATCAGATTTTTAA-3'
Protein context (NP_001229825.1, residues 198-218): GFLADLFTKW[Lys208=]EKNCSHEVTV